The following is an entry in ClinVar:

ClinVar aggregate classification (germline): Likely benign. Review status: criteria provided, multiple submitters, no conflicts (2 of 4 stars). 2 submissions from 2 submitters: Likely benign (2). Last evaluated 2024-07-01.

Allele frequency attached by ClinVar (database versions not stated): 1000 Genomes Project 0.00140; gnomAD 0.00156 and 0.00157; ExAC 0.00164; gnomAD exomes 0.00170 and 0.00231; 1000 Genomes Project 30x 0.00172; TOPMed 0.00179; ESP Exome Variant Server 0.00201.
gnomAD v4.1: 3,591 of 1,612,520 alleles (0.22%); highest among the groups gnomAD compares: Non-Finnish European, 0.27%; 7 homozygotes.

Submissions (2):

CeGaT Center for Human Genetics Tuebingen
Classification: Likely benign. Last evaluated: 2024-07-01. Review status: criteria provided, single submitter. Criteria: CeGaT Center For Human Genetics Tuebingen Variant Classification Criteria Version 2. Collection method: clinical testing. Allele origin: germline. Affected: yes. Observed: 2 variant alleles.
Comment: MAD1L1: BP4, BP7

Breakthrough Genomics
Classification: Likely benign. Review status: criteria provided, single submitter. Criteria: ACMG Guidelines, 2015. Collection method: not provided. Allele origin: germline. Inheritance: Autosomal dominant inheritance. Affected: yes.

NM_001013836.2(MAD1L1):c.1266G>A (p.Leu422=)

Gene: MAD1L1 (mitotic arrest deficient 1 like 1; minus strand). Cytogenetic location: 7p22.3.
Variant type: single nucleotide variant.
Coding change: c.1266G>A on transcript NM_001013836.2 (MANE Select); coding-DNA position 1266, G replaced by A.
Protein change: p.Leu422=; no amino-acid change (leucine 422 retained).
Molecular consequence: synonymous variant.
Genome position (GRCh38, 1-based): chr7:2,014,595, C>T on the plus strand (G>A on the coding strand, the complement: MAD1L1 is on the minus strand). VCF-style: chr7-2014595-C-T. GRCh37 (hg19) VCF-style: chr7-2054230-C-T.
Other names: c.1266G>A, p.Leu422= (NM_001013837.2, NM_001304523.2, NM_003550.3); c.990G>A, p.Leu330= (NM_001304524.2).
Identifiers: ClinVar variation 1013533 (VCV001013533.39), dbSNP rs41273048, ClinGen allele CA4123273.